The following is an entry in ClinVar:

ClinVar aggregate classification (germline): Uncertain significance (1 of 4 stars; one submission).

Conditions:
Neonatal-onset encephalopathy with rigidity and seizures. Also called: Lethal neonatal spasticity-epileptic encephalopathy syndrome. Identifiers: Orphanet 435845, MedGen C3281029, MONDO:0013784, OMIM 614498.

Allele frequency attached by ClinVar (database versions not stated): gnomAD exomes below 0.00001; TOPMed 0.00001.
gnomAD v4.1: 5 of 1,612,578 alleles (0.00031%); highest among the groups gnomAD compares: East Asian, 0.0022%; no homozygotes.

Submission:

Labcorp Genetics (formerly Invitae), Labcorp
Classification: Uncertain significance for Neonatal-onset encephalopathy with rigidity and seizures. Last evaluated: 2019-06-03. Review status: criteria provided, single submitter. Criteria: Invitae Variant Classification Sherloc (09022015). Collection method: clinical testing. Allele origin: germline.
Comment: In summary, the available evidence is currently insufficient to determine the role of this variant in disease. Therefore, it has been classified as a Variant of Uncertain Significance. Algorithms developed to predict the effect of missense changes on protein structure and function (SIFT, PolyPhen-2, Align-GVGD) all suggest that this variant is likely to be tolerated, but these predictions have not been confirmed by published functional studies and their clinical significance is uncertain. This variant has not been reported in the literature in individuals with BRAT1-related disease. This variant is not present in population databases (ExAC no frequency). This sequence change replaces serine with leucine at codon 359 of the BRAT1 protein (p.Ser359Leu). The serine residue is moderately conserved and there is a large physicochemical difference between serine and leucine.

NM_152743.4(BRAT1):c.1076C>T (p.Ser359Leu)

Gene: BRAT1 (BRCA1 associated ATM activator 1; minus strand). Cytogenetic location: 7p22.3.
Variant type: single nucleotide variant.
Coding change: c.1076C>T on transcript NM_152743.4 (MANE Select); coding-DNA position 1076, C replaced by T.
Protein change: p.Ser359Leu; replaces serine 359 with leucine.
Molecular consequence: missense variant. On other transcripts: non-coding transcript variant (1).
Genome position (GRCh38, 1-based): chr7:2,541,776, G>A on the plus strand (C>T on the coding strand, the complement: BRAT1 is on the minus strand). VCF-style: chr7-2541776-G-A. GRCh37 (hg19) VCF-style: chr7-2581410-G-A.
Other names: c.1076C>T, p.Ser359Leu (NM_001350626.2); c.551C>T, p.Ser184Leu (NM_001350627.2); short protein forms S184L, S359L.
Identifiers: ClinVar variation 642255 (VCV000642255.9), dbSNP rs1290341140, ClinGen allele CA366629775.